The following is an entry in ClinVar:

ClinVar aggregate classification (germline): Uncertain significance (1 of 4 stars; one submission).

Conditions:
Cardiovascular phenotype. Identifiers: MedGen CN230736.

Allele frequency attached by ClinVar (database versions not stated): gnomAD exomes below 0.00001.
gnomAD v4.1: 3 of 1,611,416 alleles (0.00019%); highest among the groups gnomAD compares: Non-Finnish European, 0.00025%; no homozygotes.

Submission:

Ambry Genetics
Classification: Uncertain significance for Cardiovascular phenotype. Last evaluated: 2023-03-31. Review status: criteria provided, single submitter. Criteria: Ambry Variant Classification Scheme 2023. Collection method: clinical testing. Allele origin: germline.
Comment: The c.16T>A (p.L6M) alteration is located in exon 1 (coding exon 1) of the CASQ2 gene. This alteration results from a T to A substitution at nucleotide position 16, causing the leucine (L) at amino acid position 6 to be replaced by a methionine (M). This variant was not reported in population-based cohorts in the Genome Aggregation Database (gnomAD). This amino acid position is well conserved in available vertebrate species. This alteration is predicted to be tolerated by in silico analysis. Based on insufficient or conflicting evidence, the clinical significance of this alteration remains unclear.

NM_001232.4(CASQ2):c.16T>A (p.Leu6Met)

Gene: CASQ2 (calsequestrin 2; minus strand). Cytogenetic location: 1p13.1.
Variant type: single nucleotide variant.
Coding change: c.16T>A on transcript NM_001232.4 (MANE Select); coding-DNA position 16, T replaced by A.
Protein change: p.Leu6Met; replaces leucine 6 with methionine.
Molecular consequence: missense variant.
Genome position (GRCh38, 1-based): chr1:115,768,526, A>T on the plus strand (T>A on the coding strand, the complement: CASQ2 is on the minus strand). VCF-style: chr1-115768526-A-T. GRCh37 (hg19) VCF-style: chr1-116311147-A-T.
Other names: short protein forms L6M.
Identifiers: ClinVar variation 2532208 (VCV002532208.2), dbSNP rs2526106734, ClinGen allele CA341767446.
Genomic context (GRCh38, chr1:115,768,526, plus strand): 5'-GGAAATTAAGCCCCTCTTCTGCCCTGCAAGAGGACAGAAAATAAATCCCCACAATAAACA[A>T]GTGAGTTCTCTTCATTTGGGAAAACTTTTGTTTCTCGTTCCCAAATATGCTGTGTGCAGA-3'
Protein context (NP_001223.2, residues 1-16): MKRTH[Leu6Met]FIVGIYFLSS